The following is an entry in ClinVar:

NM_022455.5(NSD1):c.6929T>C (p.Val2310Ala)

Gene: NSD1 (nuclear receptor binding SET domain protein 1; plus strand). Cytogenetic location: 5q35.3.
Variant type: single nucleotide variant.
Coding change: c.6929T>C on transcript NM_022455.5 (MANE Select); coding-DNA position 6929, T replaced by C.
Protein change: p.Val2310Ala; replaces valine 2310 with alanine.
Molecular consequence: missense variant.
Genome position (GRCh38, 1-based): chr5:177,294,297, T>C. VCF-style: chr5-177294297-T-C. GRCh37 (hg19) VCF-style: chr5-176721298-T-C.
Other names: c.6056T>C, p.Val2019Ala (NM_001365684.2, NM_001409308.1, NM_172349.5); c.6929T>C, p.Val2310Ala (NM_001409301.1, NM_001409302.1, NM_001409303.1); c.6509T>C, p.Val2170Ala (NM_001409304.1); c.6176T>C, p.Val2059Ala (NM_001409305.1); c.6167T>C, p.Val2056Ala (NM_001409306.1, NM_001409307.1); c.5807T>C, p.Val1936Ala (NM_001409309.1); short protein forms V1936A, V2019A, V2056A, V2059A, V2170A, V2310A.
Identifiers: ClinVar variation 3067796 (VCV003067796.21), dbSNP rs2480831291, ClinGen allele CA362327164.

ClinVar aggregate classification (germline): Uncertain significance (1 of 4 stars; one submission).

Submission:

CeGaT Center for Human Genetics Tuebingen
Classification: Uncertain significance. Last evaluated: 2024-03-01. Review status: criteria provided, single submitter. Criteria: CeGaT Center For Human Genetics Tuebingen Variant Classification Criteria Version 2. Collection method: clinical testing. Allele origin: germline. Affected: yes. Observed: 1 variant allele.
Comment: NSD1: PM2